The following is an entry in ClinVar:

ClinVar aggregate classification (germline): Uncertain significance (1 of 4 stars; one submission).

Conditions:
Arrhythmogenic right ventricular dysplasia 9 (ARVD9). Also called: Arrhythmogenic Right Ventricular Dysplasia/Cardiomyopathy 9; ARRHYTHMOGENIC RIGHT VENTRICULAR DYSPLASIA, FAMILIAL, 9. Identifiers: MedGen C1836906, MONDO:0012180, OMIM 609040.

gnomAD v4.1: 2 of 642,628 alleles (0.00031%); highest among the groups gnomAD compares: East Asian, 0.0053%; no homozygotes.

Submission:

Labcorp Genetics (formerly Invitae), Labcorp
Classification: Uncertain significance for Arrhythmogenic right ventricular dysplasia 9. Last evaluated: 2024-12-27. Review status: criteria provided, single submitter. Criteria: Invitae Variant Classification Sherloc (09022015). Collection method: clinical testing. Allele origin: germline.
Comment: This sequence change replaces arginine, which is basic and polar, with lysine, which is basic and polar, at codon 493 of the PKP2 protein (p.Arg493Lys). This variant is not present in population databases (gnomAD no frequency). This variant has not been reported in the literature in individuals affected with PKP2-related conditions. An algorithm developed to predict the effect of missense changes on protein structure and function (PolyPhen-2) suggests that this variant¬†is likely to be tolerated. In summary, the available evidence is currently insufficient to determine the role of this variant in disease. Therefore, it has been classified as a Variant of Uncertain Significance.

NM_001005242.3(PKP2):c.1379-2009G>A

Gene: PKP2 (plakophilin 2; minus strand). Cytogenetic location: 12p11.21.
Variant type: single nucleotide variant.
Coding change: c.1379-2009G>A on transcript NM_001005242.3 (MANE Select); 2009 bases into the intron before coding-DNA position 1379, G replaced by A.
Molecular consequence: intron variant. On other transcripts: missense variant (2).
Genome position (GRCh38, 1-based): chr12:32,843,214, C>T on the plus strand (G>A on the coding strand, the complement: PKP2 is on the minus strand). VCF-style: chr12-32843214-C-T. GRCh37 (hg19) VCF-style: chr12-32996148-C-T.
Other names: c.1478G>A, p.Arg493Lys (NM_001407157.1, NM_004572.4); c.1379-2009G>A (NM_001407156.1, NM_001407155.1, NM_001407161.1); c.1052-2009G>A (NM_001407160.1, NM_001407159.1, NM_001407158.1 and 1 more transcripts); short protein forms R493K.
Identifiers: ClinVar variation 3728142 (VCV003728142.1).